The following is an entry in ClinVar:

ClinVar aggregate classification (germline): Pathogenic (1 of 4 stars; one submission).

Submission:

Labcorp Genetics (formerly Invitae), Labcorp
Classification: Pathogenic. Last evaluated: 2024-03-01. Review status: criteria provided, single submitter. Criteria: Invitae Variant Classification Sherloc (09022015). Collection method: clinical testing. Allele origin: germline.
Comment: This sequence change creates a premature translational stop signal (p.Gly126Argfs*55) in the CDAN1 gene. It is expected to result in an absent or disrupted protein product. Loss-of-function variants in CDAN1 are known to be pathogenic (PMID: 16098079, 16141353). This variant is not present in population databases (gnomAD no frequency). This variant has not been reported in the literature in individuals affected with CDAN1-related conditions. For these reasons, this variant has been classified as Pathogenic.

Literature cited by the submitters: PubMed 16098079; PubMed 16141353.

NM_138477.4(CDAN1):c.376_379del (p.Gly126fs)

Genes: CDAN1 (codanin 1; minus strand), LOC130056931 (ATAC-STARR-seq lymphoblastoid silent region 6376; plus strand). Cytogenetic location: 15q15.2.
Variant type: Deletion.
Coding change: c.376_379del on transcript NM_138477.4 (MANE Select); coding-DNA positions 376 to 379, 4 bases deleted (GGGC; older notation c.376_379delGGGC).
Protein change: p.Gly126fs; shifts the reading frame from glycine 126.
Molecular consequence: frameshift variant.
Genome position (GRCh38, 1-based): chr15:42,736,492-42,736,495, GCCC deleted on the plus strand (GGGC on the coding strand, the reverse complement: CDAN1 is on the minus strand). VCF-style (leftmost placement, unchanged base first): chr15-42736491-GGCCC-G. GRCh37 (hg19) VCF-style: chr15-43028689-GGCCC-G.
Other names: short protein forms G126fs.
Identifiers: ClinVar variation 3644009 (VCV003644009.2).
Genomic context (GRCh38, chr15:42,736,491, plus strand): 5'-CCGGGCAGGCTCTCCCCGCTGACCCCCTCCTCCAGGCCGCGGCCTCCACGCTCGCGGGCC[GGCCC>G]CGGGCCCCGCCTCCTGCCCCCGCGGCGGGCCAGAGGGGCCTCGGCAGCGGTGCTCTGGGC-3'